The following is an entry in ClinVar:

NM_001077653.2(TBX20):c.891-2A>G

Gene: TBX20 (T-box transcription factor 20; minus strand). Cytogenetic location: 7p14.2.
Variant type: single nucleotide variant.
Coding change: c.891-2A>G on transcript NM_001077653.2 (MANE Select); the canonical splice acceptor site of the intron before coding-DNA position 891, A replaced by G.
Molecular consequence: splice acceptor variant.
Genome position (GRCh38, 1-based): chr7:35,204,584, T>C on the plus strand (A>G on the coding strand, the complement: TBX20 is on the minus strand). VCF-style: chr7-35204584-T-C. GRCh37 (hg19) VCF-style: chr7-35244196-T-C.
Identifiers: ClinVar variation 4992043 (VCV004992043.1).

ClinVar aggregate classification (germline): Uncertain significance (1 of 4 stars; one submission).

Conditions:
TBX20-related disorder. Also called: TBX20-related condition.

Submission:

PreventionGenetics, part of Exact Sciences
Classification: Uncertain significance for TBX20-related condition. Last evaluated: 2025-09-11. Review status: criteria provided, single submitter. Criteria: ACMG Guidelines, 2015. Collection method: clinical testing. Allele origin: germline.
Comment: The TBX20 c.891-2A>G variant is predicted to disrupt the AG splice acceptor site and interfere with normal splicing. To our knowledge, this variant has not been reported in the literature or in a large population database (gnomAD), indicating this variant is rare. Although we suspect that this variant may be pathogenic, at this time, the clinical significance of this variant is uncertain due to the absence of conclusive functional and genetic evidence.